The following is an entry in ClinVar:

NM_000088.4(COL1A1):c.4319T>A (p.Ile1440Asn)

Gene: COL1A1 (collagen type I alpha 1 chain; minus strand). Cytogenetic location: 17q21.33.
Variant type: single nucleotide variant.
Coding change: c.4319T>A on transcript NM_000088.4 (MANE Select); coding-DNA position 4319, T replaced by A.
Protein change: p.Ile1440Asn; replaces isoleucine 1440 with asparagine.
Molecular consequence: missense variant.
Genome position (GRCh38, 1-based): chr17:50,185,578, A>T on the plus strand (T>A on the coding strand, the complement: COL1A1 is on the minus strand). VCF-style: chr17-50185578-A-T. GRCh37 (hg19) VCF-style: chr17-48262939-A-T.
Other names: short protein forms I1440N.
Identifiers: ClinVar variation 3718857 (VCV003718857.4).
Genomic context (GRCh38, chr17:50,185,578, plus strand): 5'-GGGCCAACGTCGAAGCCGAATTCCTGGTCTGGGGCACCAACGTCCAAGGGGGCCACATCG[A>T]TGATGGGCAGGCGGGAGGTCTTGGTGGTTTTGTATTCAATCACTGTCTTGCCCCAGGCTC-3'
Protein context (NP_000079.2, residues 1430-1450): KTTKTSRLPI[Ile1440Asn]DVAPLDVGAP

ClinVar aggregate classification (germline): Uncertain significance. Review status: criteria provided, multiple submitters, no conflicts (2 of 4 stars). 2 submissions from 2 submitters: Uncertain significance (2). Last evaluated 2025-06-12.

Conditions:
Osteogenesis imperfecta type I (OI1). Also called: Osteogenesis imperfecta type 1; Lobstein's Disease; OI, TYPE I; OSTEOGENESIS IMPERFECTA TARDA; OSTEOGENESIS IMPERFECTA WITH BLUE SCLERAE; Classic Non-deforming Osteogenesis Imperfecta with Blue Sclerae. Identifiers: Orphanet 216796, Orphanet 666, MedGen C0023931, MONDO:0008146, OMIM 166200. Disease mechanism: loss of function.

Submissions (2):

Labcorp Genetics (formerly Invitae), Labcorp
Classification: Uncertain significance for Osteogenesis imperfecta type I. Last evaluated: 2025-06-12. Review status: criteria provided, single submitter. Criteria: Invitae Variant Classification Sherloc (09022015). Collection method: clinical testing. Allele origin: germline.
Comment: This sequence change replaces isoleucine, which is neutral and non-polar, with asparagine, which is neutral and polar, at codon 1440 of the COL1A1 protein (p.Ile1440Asn). This variant is not present in population databases (gnomAD no frequency). This variant has not been reported in the literature in individuals affected with COL1A1-related conditions. ClinVar contains an entry for this variant (Variation ID: 3718857). Invitae Evidence Modeling of protein sequence and biophysical properties (such as structural, functional, and spatial information, amino acid conservation, physicochemical variation, residue mobility, and thermodynamic stability) has been performed for this missense variant. However, the output from this modeling did not meet the statistical confidence thresholds required to predict the impact of this variant on COL1A1 protein function. In summary, the available evidence is currently insufficient to determine the role of this variant in disease. Therefore, it has been classified as a Variant of Uncertain Significance.

Dasa
Classification: Uncertain significance. Last evaluated: 2024-12-06. Review status: criteria provided, single submitter. Criteria: DASA Assertion Criteria. Collection method: clinical testing. Allele origin: germline.
Comment: NM_000088.4(COL1A1):c.4319T>A (p.Ile1440Asn) is a missense variant that results in the substitution of isoleucine with asparagine. This variant is absent from population databases. Computational prediction algorithms are consistent with a deleterious effect. The currently available literature and clinical evidence are not sufficient to establish a definitive association between this variant and the reported condition. Therefore, this variant is classified as a variant of uncertain significance.